The following is an entry in ClinVar:

NM_000088.4(COL1A1):c.3168C>T (p.Pro1056=)

Gene: COL1A1 (collagen type I alpha 1 chain; minus strand). Cytogenetic location: 17q21.33.
Variant type: single nucleotide variant.
Coding change: c.3168C>T on transcript NM_000088.4 (MANE Select); coding-DNA position 3168, C replaced by T.
Protein change: p.Pro1056=; no amino-acid change (proline 1056 retained).
Molecular consequence: synonymous variant.
Genome position (GRCh38, 1-based): chr17:50,188,569, G>A on the plus strand (C>T on the coding strand, the complement: COL1A1 is on the minus strand). VCF-style: chr17-50188569-G-A. GRCh37 (hg19) VCF-style: chr17-48265930-G-A.
Identifiers: ClinVar variation 1141939 (VCV001141939.13), dbSNP rs913216741, ClinGen allele CA291543063.

ClinVar aggregate classification (germline): Likely benign. Review status: criteria provided, multiple submitters, no conflicts (2 of 4 stars). 3 submissions from 3 submitters: Likely benign (2). 1 of the submissions does not count toward it. Last evaluated 2024-02-18.

Conditions:
Cardiovascular phenotype. Identifiers: MedGen CN230736.
Osteogenesis imperfecta type I (OI1). Also called: Osteogenesis imperfecta type 1; Lobstein's Disease; Lobstein disease; OI, TYPE I; OSTEOGENESIS IMPERFECTA TARDA; OSTEOGENESIS IMPERFECTA WITH BLUE SCLERAE. Identifiers: Orphanet 216796, Orphanet 666, MedGen C0023931, MONDO:0008146, OMIM 166200. Disease mechanism: loss of function.
COL1A1-related disorder. Also called: COL1A1- related disease; COL1A1-related condition.

Allele frequency attached by ClinVar (database versions not stated): gnomAD exomes below 0.00001 and 0.00001; gnomAD 0.00001; TOPMed 0.00003.
gnomAD v4.1: 9 of 1,613,904 alleles (0.00056%); highest among the groups gnomAD compares: East Asian, 0.0022%; no homozygotes.

Submissions (3):

Labcorp Genetics (formerly Invitae), Labcorp
Classification: Likely benign for Osteogenesis imperfecta type I. Last evaluated: 2024-02-18. Review status: criteria provided, single submitter. Criteria: Invitae Variant Classification Sherloc (09022015). Collection method: clinical testing. Allele origin: germline.

Ambry Genetics
Classification: Likely benign for Cardiovascular phenotype. Last evaluated: 2019-10-28. Review status: criteria provided, single submitter. Criteria: Ambry Variant Classification Scheme 2023. Collection method: clinical testing. Allele origin: germline.

PreventionGenetics, part of Exact Sciences
Classification: Likely benign for COL1A1-related condition. Last evaluated: 2019-09-05. Review status: no assertion criteria provided. Collection method: clinical testing. Allele origin: germline. Not counted in ClinVar's aggregate classification.
Comment: This variant is classified as likely benign based on ACMG/AMP sequence variant interpretation guidelines (Richards et al. 2015 PMID: 25741868, with internal and published modifications).